The following is an entry in ClinVar:

ClinVar aggregate classification (germline): Benign. Review status: criteria provided, multiple submitters, no conflicts (2 of 4 stars). 5 submissions from 5 submitters: Benign (5). Last evaluated 2026-02-04.

Conditions:
Saldino-Mainzer syndrome (SRTD9). Also called: Renal dysplasia, retinal pigmentary dystrophy, cerebellar ataxia and skeletal dysplasia; SHORT-RIB THORACIC DYSPLASIA 9 WITHOUT POLYDACTYLY; CONORENAL SYNDROME; short-rib thoracic dysplasia 9 with or without polydactyly. Identifiers: Orphanet 140969, MedGen C1849437, MONDO:0009964, OMIM 266920.
Retinitis pigmentosa 80 (RP80). Identifiers: MedGen C4540439, MONDO:0054708, OMIM 617781.

Allele frequency attached by ClinVar (database versions not stated): gnomAD exomes 0.00480 and 0.00535; ExAC 0.00645; 1000 Genomes Project 0.01018; gnomAD 0.01075 and 0.01137; 1000 Genomes Project 30x 0.01171; TOPMed 0.01172; ESP Exome Variant Server 0.01293.
gnomAD v4.1: 8,615 of 1,600,638 alleles (0.54%); highest among the groups gnomAD compares: African/African-American, 2.8%; 53 homozygotes.

Submissions (5):

Labcorp Genetics (formerly Invitae), Labcorp
Classification: Benign for Saldino-Mainzer syndrome. Last evaluated: 2026-02-04. Review status: criteria provided, single submitter. Criteria: Invitae Variant Classification Sherloc (09022015). Collection method: clinical testing. Allele origin: germline.

Mayo Clinic Laboratories, Mayo Clinic
Classification: Benign. Last evaluated: 2023-06-02. Review status: criteria provided, single submitter. Criteria: ACMG Guidelines, 2015. Collection method: clinical testing. Allele origin: germline. Observed: 2 variant alleles.
Comment: BS1, BS2, BP4, BP7

Fulgent Genetics
Classification: Benign for Saldino-Mainzer syndrome; Retinitis pigmentosa 80. Last evaluated: 2021-07-20. Review status: criteria provided, single submitter. Criteria: ACMG Guidelines, 2015. Collection method: clinical testing. Allele origin: unknown.

Illumina Laboratory Services, Illumina
Classification: Benign for Saldino-Mainzer syndrome. Last evaluated: 2018-01-12. Review status: criteria provided, single submitter. Criteria: ICSL Variant Classification Criteria 13 December 2019. Collection method: clinical testing. Allele origin: germline.
Comment: This variant was observed in the ICSL laboratory as part of a predisposition screen in an ostensibly healthy population. It had not been previously curated by ICSL or reported in the Human Gene Mutation Database (HGMD: prior to June 1st, 2018), and was therefore a candidate for classification through an automated scoring system. Utilizing variant allele frequency, disease prevalence and penetrance estimates, and inheritance mode, an automated score was calculated to assess if this variant is too frequent to cause the disease. Based on the score and internal cut-off values, a variant classified as benign is not then subjected to further curation. The score for this variant resulted in a classification of benign for this disease.

Breakthrough Genomics
Classification: Benign. Review status: criteria provided, single submitter. Criteria: ACMG Guidelines, 2015. Collection method: not provided. Allele origin: germline. Inheritance: Autosomal recessive inheritance. Affected: yes.

NM_014714.4(IFT140):c.3990G>A (p.Ala1330=)

Gene: IFT140 (intraflagellar transport 140; minus strand). Cytogenetic location: 16p13.3.
Variant type: single nucleotide variant.
Coding change: c.3990G>A on transcript NM_014714.4 (MANE Select); coding-DNA position 3990, G replaced by A.
Protein change: p.Ala1330=; no amino-acid change (alanine 1330 retained).
Molecular consequence: synonymous variant.
Genome position (GRCh38, 1-based): chr16:1,519,931, C>T on the plus strand (G>A on the coding strand, the complement: IFT140 is on the minus strand). VCF-style: chr16-1519931-C-T. GRCh37 (hg19) VCF-style: chr16-1569932-C-T.
Other names: p.Ala1330=.
Identifiers: ClinVar variation 317993 (VCV000317993.18), dbSNP rs61745103, ClinGen allele CA7812959.